The following is an entry in ClinVar:

NM_000497.4(CYP11B1):c.743C>T (p.Thr248Ile)

Genes: CYP11B1 (cytochrome P450 family 11 subfamily B member 1; minus strand), LOC106799833 (CYP11B1 recombination region; plus strand). Cytogenetic location: 8q24.3.
Variant type: single nucleotide variant.
Coding change: c.743C>T on transcript NM_000497.4 (MANE Select); coding-DNA position 743, C replaced by T.
Protein change: p.Thr248Ile; replaces threonine 248 with isoleucine.
Molecular consequence: missense variant.
Genome position (GRCh38, 1-based): chr8:142,876,738, G>A on the plus strand (C>T on the coding strand, the complement: CYP11B1 is on the minus strand). VCF-style: chr8-142876738-G-A. GRCh37 (hg19) VCF-style: chr8-143958154-G-A.
Other names: c.743C>T, p.Thr248Ile (NM_001026213.1); short protein forms T248I.
Identifiers: ClinVar variation 362162 (VCV000362162.22), dbSNP rs34620645, ClinGen allele CA4905325.

ClinVar aggregate classification (germline): Benign/Likely benign. Review status: criteria provided, multiple submitters, no conflicts (2 of 4 stars). 8 submissions from 7 submitters: Benign (3); Likely benign (5). Last evaluated 2026-01-31.

Conditions:
Glucocorticoid-remediable aldosteronism. Also called: Hyperaldosteronism, familial, type I; FH I; GLUCOCORTICOID-SUPPRESSIBLE HYPERALDOSTERONISM; ACTH-DEPENDENT HYPERALDOSTERONISM SYNDROME; ALDOSTERONISM, SENSITIVE TO DEXAMETHASONE. Identifiers: Orphanet 403, MedGen C3838731, MONDO:0007080, OMIM 103900.
Deficiency of steroid 11-beta-monooxygenase (CYP11B1). Also called: Congenital adrenal hyperplasia due to 11-beta-hydroxylase deficiency; ADRENAL HYPERPLASIA, CONGENITAL, DUE TO STEROID 11-BETA-HYDROXYLASE DEFICIENCY; 11-BETA-HYDROXYLASE DEFICIENCY; P450C11B1 DEFICIENCY; STEROID 11-BETA-HYDROXYLASE DEFICIENCY; ADRENAL HYPERPLASIA IV. Identifiers: Orphanet 90795, MedGen C0268292, MONDO:0008729, OMIM 202010. Disease mechanism: loss of function.

Allele frequency attached by ClinVar (database versions not stated): gnomAD exomes 0.00095; ExAC 0.00100; gnomAD 0.01064; 1000 Genomes Project 30x 0.01109.
gnomAD v4.1: 2,017 of 1,601,814 alleles (0.13%); highest among the groups gnomAD compares: African/African-American, 2.7%; 33 homozygotes.

Submissions (8):

Labcorp Genetics (formerly Invitae), Labcorp
Classification: Benign. Last evaluated: 2026-01-31. Review status: criteria provided, single submitter. Criteria: Invitae Variant Classification Sherloc (09022015). Collection method: clinical testing. Allele origin: germline.

Blueprint Genetics
Classification: Likely benign. Last evaluated: 2024-11-27. Review status: criteria provided, single submitter. Criteria: ACMG Guidelines, 2015. Collection method: clinical testing. Allele origin: germline.

Mayo Clinic Laboratories, Mayo Clinic
Classification: Benign. Last evaluated: 2024-09-17. Review status: criteria provided, single submitter. Criteria: ACMG Guidelines, 2015. Collection method: clinical testing. Allele origin: germline. Observed: 2 variant alleles.
Comment: BS1, BS2, BP4

Athena Diagnostics
Classification: Benign. Last evaluated: 2018-12-17. Review status: criteria provided, single submitter. Criteria: Athena Diagnostics Criteria. Collection method: clinical testing. Allele origin: germline.

Illumina Laboratory Services, Illumina
Classification: Likely benign for Glucocorticoid-remediable aldosteronism. Last evaluated: 2017-04-27. Review status: criteria provided, single submitter. Criteria: ICSL Variant Classification Criteria 13 December 2019. Collection method: clinical testing. Allele origin: germline.
Comment: This variant was observed as part of a predisposition screen in an ostensibly healthy population. A literature search was performed for the gene, cDNA change, and amino acid change (where applicable). No publications were found based on this search. Allele frequency data from public databases allowed determination this variant is unlikely to cause disease. Therefore, this variant is classified as likely benign.

Illumina Laboratory Services, Illumina
Classification: Likely benign for Deficiency of steroid 11-beta-monooxygenase. Last evaluated: 2017-04-27. Review status: criteria provided, single submitter. Criteria: ICSL Variant Classification Criteria 13 December 2019. Collection method: clinical testing. Allele origin: germline.
Comment: This variant was observed as part of a predisposition screen in an ostensibly healthy population. A literature search was performed for the gene, cDNA change, and amino acid change (where applicable). Publications were found based on this search. The evidence from the literature, in combination with allele frequency data from public databases where available, was sufficient to determine this variant is unlikely to cause disease. Therefore, this variant is classified as likely benign.

GeneDx
Classification: Likely benign. Last evaluated: 2016-08-22. Review status: criteria provided, single submitter. Criteria: GeneDx Variant Classification (06012015). Collection method: clinical testing. Allele origin: germline. Affected: yes.
Comment: This variant is considered likely benign or benign based on one or more of the following criteria: it is a conservative change, it occurs at a poorly conserved position in the protein, it is predicted to be benign by multiple in silico algorithms, and/or has population frequency not consistent with disease.

Breakthrough Genomics
Classification: Likely benign. Review status: criteria provided, single submitter. Criteria: ACMG Guidelines, 2015. Collection method: not provided. Allele origin: germline. Inheritance: Autosomal recessive inheritance. Affected: yes.

Literature cited by the submitters: PubMed 11549691 (cited by 3 submitters); PubMed 8989319 (cited by Athena Diagnostics); PubMed 17692261 (cited by Athena Diagnostics).